The following is an entry in ClinVar:

ClinVar aggregate classification (germline): Uncertain significance. Review status: criteria provided, multiple submitters, no conflicts (2 of 4 stars). 3 submissions from 3 submitters: Uncertain significance (3). Last evaluated 2025-11-23.

Conditions:
Developmental and epileptic encephalopathy, 69. Also called: EPILEPTIC ENCEPHALOPATHY, EARLY INFANTILE, 69. Identifiers: MedGen C4748988, MONDO:0032657, OMIM 618285.
Inborn genetic diseases. Identifiers: MedGen C0950123, MeSH D030342.

Allele frequency attached by ClinVar (database versions not stated): gnomAD exomes 0.00001; TOPMed below 0.00001.
gnomAD v4.1: 7 of 1,531,324 alleles (0.00046%); highest among the groups gnomAD compares: Non-Finnish European, 0.00062%; no homozygotes.

Submissions (3):

Ambry Genetics
Classification: Uncertain significance for Inborn genetic diseases. Last evaluated: 2025-11-23. Review status: criteria provided, single submitter. Criteria: Ambry Variant Classification Scheme 2023. Collection method: clinical testing. Allele origin: germline.

Labcorp Genetics (formerly Invitae), Labcorp
Classification: Uncertain significance. Last evaluated: 2025-07-23. Review status: criteria provided, single submitter. Criteria: Invitae Variant Classification Sherloc (09022015). Collection method: clinical testing. Allele origin: germline.
Comment: This sequence change replaces arginine, which is basic and polar, with tryptophan, which is neutral and slightly polar, at codon 772 of the CACNA1E protein (p.Arg772Trp). This variant is not present in population databases (gnomAD no frequency). This variant has not been reported in the literature in individuals affected with CACNA1E-related conditions. ClinVar contains an entry for this variant (Variation ID: 1213766). Invitae Evidence Modeling of protein sequence and biophysical properties (such as structural, functional, and spatial information, amino acid conservation, physicochemical variation, residue mobility, and thermodynamic stability) has been performed for this missense variant. However, the output from this modeling did not meet the statistical confidence thresholds required to predict the impact of this variant on CACNA1E protein function. In summary, the available evidence is currently insufficient to determine the role of this variant in disease. Therefore, it has been classified as a Variant of Uncertain Significance.

New York Genome Center
Classification: Uncertain significance for Developmental and epileptic encephalopathy, 69. Last evaluated: 2020-09-23. Review status: criteria provided, single submitter. Criteria: NYGC Assertion Criteria 2020. Collection method: clinical testing. Allele origin: inherited. Observed: 1 heterozygote. Study: CSER-NYCKidSeq.

NM_001205293.3(CACNA1E):c.2314C>T (p.Arg772Trp)

Gene: CACNA1E (calcium voltage-gated channel subunit alpha1 E; plus strand). Cytogenetic location: 1q25.3.
Variant type: single nucleotide variant.
Coding change: c.2314C>T on transcript NM_001205293.3 (MANE Select); coding-DNA position 2314, C replaced by T.
Protein change: p.Arg772Trp; replaces arginine 772 with tryptophan.
Molecular consequence: missense variant.
Genome position (GRCh38, 1-based): chr1:181,732,400, C>T. VCF-style: chr1-181732400-C-T. GRCh37 (hg19) VCF-style: chr1-181701536-C-T.
Other names: c.2314C>T, p.Arg772Trp (NM_000721.4); c.2257C>T, p.Arg753Trp (NM_001205294.2); c.2314C>T (NM_001205293.1); short protein forms R753W, R772W.
Identifiers: ClinVar variation 1213766 (VCV001213766.5), dbSNP rs1355669731, ClinGen allele CA343616888.